The following is an entry in ClinVar:

NM_001384732.1(CPLANE1):c.7630A>G (p.Met2544Val)

Gene: CPLANE1 (ciliogenesis and planar polarity effector complex subunit 1; minus strand). Cytogenetic location: 5p13.2.
Variant type: single nucleotide variant.
Coding change: c.7630A>G on transcript NM_001384732.1 (MANE Select); coding-DNA position 7630, A replaced by G.
Protein change: p.Met2544Val; replaces methionine 2544 with valine.
Molecular consequence: missense variant.
Genome position (GRCh38, 1-based): chr5:37,162,525, T>C on the plus strand (A>G on the coding strand, the complement: CPLANE1 is on the minus strand). VCF-style: chr5-37162525-T-C. GRCh37 (hg19) VCF-style: chr5-37162627-T-C.
Other names: c.7630A>G, p.Met2544Val (NM_023073.4); short protein forms M2544V.
Identifiers: ClinVar variation 1024699 (VCV001024699.8), dbSNP rs746748652, ClinGen allele CA3237990.

ClinVar aggregate classification (germline): Uncertain significance (1 of 4 stars; one submission).

Allele frequency attached by ClinVar (database versions not stated): ExAC 0.00001; gnomAD exomes 0.00001.
gnomAD v4.1: 5 of 1,612,836 alleles (0.00031%); highest among the groups gnomAD compares: South Asian, 0.0011%; no homozygotes.

Submission:

Labcorp Genetics (formerly Invitae), Labcorp
Classification: Uncertain significance. Last evaluated: 2020-10-07. Review status: criteria provided, single submitter. Criteria: Invitae Variant Classification Sherloc (09022015). Collection method: clinical testing. Allele origin: germline.
Comment: In summary, the available evidence is currently insufficient to determine the role of this variant in disease. Therefore, it has been classified as a Variant of Uncertain Significance. Advanced modeling of protein sequence and biophysical properties (such as structural, functional, and spatial information, amino acid conservation, physicochemical variation, residue mobility, and thermodynamic stability) performed at Invitae indicates that this missense variant is not expected to disrupt CPLANE1 protein function. This variant has not been reported in the literature in individuals with CPLANE1-related conditions. This variant is present in population databases (rs746748652, ExAC 0.006%). This sequence change replaces methionine with valine at codon 2544 of the CPLANE1 protein (p.Met2544Val). The methionine residue is highly conserved and there is a small physicochemical difference between methionine and valine.